The following is an entry in ClinVar:

ClinVar aggregate classification (germline): Pathogenic (1 of 4 stars; one submission).

Conditions:
LAMA2-related muscular dystrophy (LAMA2-RD). Also called: Laminin alpha 2-related dystrophy. Identifiers: MedGen C5679788, MONDO:0100228.

Allele frequency attached by ClinVar (database versions not stated): gnomAD exomes below 0.00001.

Submission:

Labcorp Genetics (formerly Invitae), Labcorp
Classification: Pathogenic for LAMA2-related muscular dystrophy. Last evaluated: 2023-11-24. Review status: criteria provided, single submitter. Criteria: Invitae Variant Classification Sherloc (09022015). Collection method: clinical testing. Allele origin: germline.
Comment: This sequence change creates a premature translational stop signal (p.Trp532*) in the LAMA2 gene. It is expected to result in an absent or disrupted protein product. Loss-of-function variants in LAMA2 are known to be pathogenic (PMID: 18700894, 32904964). This variant is not present in population databases (gnomAD no frequency). This variant has not been reported in the literature in individuals affected with LAMA2-related conditions. For these reasons, this variant has been classified as Pathogenic.

Literature cited by the submitters: PubMed 18700894; PubMed 32904964.

NM_000426.4(LAMA2):c.1596G>A (p.Trp532Ter)

Gene: LAMA2 (laminin subunit alpha 2; plus strand). Cytogenetic location: 6q22.33.
Variant type: single nucleotide variant.
Coding change: c.1596G>A on transcript NM_000426.4 (MANE Select); coding-DNA position 1596, G replaced by A.
Protein change: p.Trp532Ter; replaces tryptophan 532 with a stop codon.
Molecular consequence: nonsense.
Genome position (GRCh38, 1-based): chr6:129,190,333, G>A. VCF-style: chr6-129190333-G-A. GRCh37 (hg19) VCF-style: chr6-129511478-G-A.
Other names: c.1596G>A, p.Trp532Ter (NM_001079823.2); short protein forms W532*.
Identifiers: ClinVar variation 2698746 (VCV002698746.3), dbSNP rs752763391, ClinGen allele CA365608048.